The following is an entry in ClinVar:

ClinVar aggregate classification (germline): Uncertain significance (1 of 4 stars; one submission).

Submission:

Labcorp Genetics (formerly Invitae), Labcorp
Classification: Uncertain significance. Last evaluated: 2024-01-22. Review status: criteria provided, single submitter. Criteria: Invitae Variant Classification Sherloc (09022015). Collection method: clinical testing. Allele origin: germline.
Comment: This sequence change replaces alanine, which is neutral and non-polar, with glutamic acid, which is acidic and polar, at codon 385 of the CAMTA1 protein (p.Ala385Glu). This variant is not present in population databases (gnomAD no frequency). This variant has not been reported in the literature in individuals affected with CAMTA1-related conditions. An algorithm developed to predict the effect of missense changes on protein structure and function (PolyPhen-2) suggests that this variant is likely to be disruptive. In summary, the available evidence is currently insufficient to determine the role of this variant in disease. Therefore, it has been classified as a Variant of Uncertain Significance.

NM_015215.4(CAMTA1):c.1154C>A (p.Ala385Glu)

Gene: CAMTA1 (calmodulin binding transcription activator 1; plus strand). Cytogenetic location: 1p36.23.
Variant type: single nucleotide variant.
Coding change: c.1154C>A on transcript NM_015215.4 (MANE Select); coding-DNA position 1154, C replaced by A.
Protein change: p.Ala385Glu; replaces alanine 385 with glutamic acid.
Molecular consequence: missense variant.
Genome position (GRCh38, 1-based): chr1:7,663,701, C>A. VCF-style: chr1-7663701-C-A. GRCh37 (hg19) VCF-style: chr1-7723761-C-A.
Other names: c.1064C>A, p.Ala355Glu (NM_001349608.2, NM_001349612.2); c.1154C>A, p.Ala385Glu (NM_001349609.2, NM_001349610.2, NM_001410737.1); c.1082C>A, p.Ala361Glu (NM_001410738.1); short protein forms A361E, A355E, A385E.
Identifiers: ClinVar variation 2726327 (VCV002726327.3), dbSNP rs777391693, ClinGen allele CA338125573.